The following is an entry in ClinVar:

ClinVar aggregate classification (germline): Uncertain significance. Review status: criteria provided, multiple submitters, no conflicts (2 of 4 stars). 4 submissions from 4 submitters: Uncertain significance (4). Last evaluated 2025-07-11.

Conditions:
TRIOBP-related disorder. Also called: TRIOBP-related condition.

Allele frequency attached by ClinVar (database versions not stated): ExAC 0.00004; ESP Exome Variant Server 0.00008; gnomAD exomes 0.00009; gnomAD 0.00013 and 0.00014; TOPMed 0.00021.
gnomAD v4.1: 192 of 1,610,512 alleles (0.012%); highest among the groups gnomAD compares: Admixed American, 0.042%; no homozygotes.

Submissions (4):

PreventionGenetics, part of Exact Sciences
Classification: Uncertain significance for TRIOBP-related condition. Last evaluated: 2025-07-11. Review status: criteria provided, single submitter. Criteria: ACMG Guidelines, 2015. Collection method: clinical testing. Allele origin: germline.
Comment: The TRIOBP c.3250C>T variant is predicted to result in the amino acid substitution p.Pro1084Ser. To our knowledge, this variant has not been reported in the literature. This variant is reported in 0.025% of alleles in individuals of Latino descent in gnomAD. At this time, the clinical significance of this variant is uncertain due to the absence of conclusive functional and genetic evidence.

GeneDx
Classification: Uncertain significance. Last evaluated: 2025-04-04. Review status: criteria provided, single submitter. Criteria: GeneDx Variant Classification Process June 2021. Collection method: clinical testing. Allele origin: germline. Affected: yes.
Comment: In silico analysis supports that this missense variant has a deleterious effect on protein structure/function; Has not been previously published as pathogenic or benign to our knowledge

Blueprint Genetics
Classification: Uncertain significance. Last evaluated: 2024-11-06. Review status: criteria provided, single submitter. Criteria: ACMG Guidelines, 2015. Collection method: clinical testing. Allele origin: germline.

Labcorp Genetics (formerly Invitae), Labcorp
Classification: Uncertain significance. Last evaluated: 2022-07-12. Review status: criteria provided, single submitter. Criteria: Invitae Variant Classification Sherloc (09022015). Collection method: clinical testing. Allele origin: germline.
Comment: This sequence change replaces proline, which is neutral and non-polar, with serine, which is neutral and polar, at codon 1084 of the TRIOBP protein (p.Pro1084Ser). This variant is present in population databases (rs369404083, gnomAD 0.02%). This variant has not been reported in the literature in individuals affected with TRIOBP-related conditions. ClinVar contains an entry for this variant (Variation ID: 1254686). Algorithms developed to predict the effect of missense changes on protein structure and function are either unavailable or do not agree on the potential impact of this missense change (SIFT: "Deleterious"; PolyPhen-2: "Probably Damaging"; Align-GVGD: "Class C0"). In summary, the available evidence is currently insufficient to determine the role of this variant in disease. Therefore, it has been classified as a Variant of Uncertain Significance.

NM_001039141.3(TRIOBP):c.3250C>T (p.Pro1084Ser)

Gene: TRIOBP (TRIO and F-actin binding protein; plus strand). Cytogenetic location: 22q13.1.
Variant type: single nucleotide variant.
Coding change: c.3250C>T on transcript NM_001039141.3 (MANE Select); coding-DNA position 3250, C replaced by T.
Protein change: p.Pro1084Ser; replaces proline 1084 with serine.
Molecular consequence: missense variant.
Genome position (GRCh38, 1-based): chr22:37,725,806, C>T. VCF-style: chr22-37725806-C-T. GRCh37 (hg19) VCF-style: chr22-38121813-C-T.
Other names: short protein forms P1084S.
Identifiers: ClinVar variation 1254686 (VCV001254686.8), dbSNP rs369404083, ClinGen allele CA10224072.
Genomic context (GRCh38, chr22:37,725,806, plus strand): 5'-TGCATTGGACACCGAGATGCCCCCCGGGCGTCCTCGCCCCCCCGCCACACCCAATTTGAC[C>T]CCTTCCCCTTCCTCCCAGACACATCAGATGCCGAGCATCAGTGTCAGTCCCCCCAACACG-3'
Protein context (NP_001034230.1, residues 1074-1094): SSPPRHTQFD[Pro1084Ser]FPFLPDTSDA